The following is an entry in ClinVar:

NM_014991.6(WDFY3):c.6473A>G (p.Asp2158Gly)

Gene: WDFY3 (WD repeat and FYVE domain containing 3; minus strand). Cytogenetic location: 4q21.23.
Variant type: single nucleotide variant.
Coding change: c.6473A>G on transcript NM_014991.6 (MANE Select); coding-DNA position 6473, A replaced by G.
Protein change: p.Asp2158Gly; replaces aspartic acid 2158 with glycine.
Molecular consequence: missense variant.
Genome position (GRCh38, 1-based): chr4:84,739,111, T>C on the plus strand (A>G on the coding strand, the complement: WDFY3 is on the minus strand). VCF-style: chr4-84739111-T-C. GRCh37 (hg19) VCF-style: chr4-85660264-T-C.
Other names: short protein forms D2158G.
Identifiers: ClinVar variation 1809876 (VCV001809876.1), dbSNP rs2532056014, ClinGen allele CA357555049.

ClinVar aggregate classification (germline): Uncertain significance (1 of 4 stars; one submission).

Submission:

GeneDx
Classification: Uncertain significance. Last evaluated: 2022-06-30. Review status: criteria provided, single submitter. Criteria: GeneDx Variant Classification Process June 2021. Collection method: clinical testing. Allele origin: germline. Affected: yes.
Comment: Not observed at significant frequency in large population cohorts (gnomAD); In silico analysis supports that this missense variant does not alter protein structure/function; Has not been previously published as pathogenic or benign to our knowledge